The following is an entry in ClinVar:

NM_002470.4(MYH3):c.4017C>G (p.His1339Gln)

Gene: MYH3 (myosin heavy chain 3; minus strand). Cytogenetic location: 17p13.1.
Variant type: single nucleotide variant.
Coding change: c.4017C>G on transcript NM_002470.4 (MANE Select); coding-DNA position 4017, C replaced by G.
Protein change: p.His1339Gln; replaces histidine 1339 with glutamine.
Molecular consequence: missense variant.
Genome position (GRCh38, 1-based): chr17:10,635,522, G>C on the plus strand (C>G on the coding strand, the complement: MYH3 is on the minus strand). VCF-style: chr17-10635522-G-C. GRCh37 (hg19) VCF-style: chr17-10538839-G-C.
Other names: c.4017C>G (NM_002470.3); short protein forms H1339Q.
Identifiers: ClinVar variation 2054763 (VCV002054763.5), dbSNP rs369001101, ClinGen allele CA398145515.

ClinVar aggregate classification (germline): Uncertain significance. Review status: criteria provided, multiple submitters, no conflicts (2 of 4 stars). 2 submissions from 2 submitters: Uncertain significance (2). Last evaluated 2024-11-08.

Submissions (2):

GeneDx
Classification: Uncertain significance. Last evaluated: 2024-11-08. Review status: criteria provided, single submitter. Criteria: GeneDx Variant Classification Process June 2021. Collection method: clinical testing. Allele origin: germline. Affected: yes.
Comment: Not observed at significant frequency in large population cohorts (gnomAD); In silico analysis supports that this missense variant has a deleterious effect on protein structure/function; Has not been previously published as pathogenic or benign to our knowledge

Labcorp Genetics (formerly Invitae), Labcorp
Classification: Uncertain significance. Last evaluated: 2022-01-07. Review status: criteria provided, single submitter. Criteria: Invitae Variant Classification Sherloc (09022015). Collection method: clinical testing. Allele origin: germline.
Comment: Algorithms developed to predict the effect of sequence changes on RNA splicing suggest that this variant may create or strengthen a splice site. In summary, the available evidence is currently insufficient to determine the role of this variant in disease. Therefore, it has been classified as a Variant of Uncertain Significance. Algorithms developed to predict the effect of missense changes on protein structure and function are either unavailable or do not agree on the potential impact of this missense change (SIFT: "Deleterious"; PolyPhen-2: "Probably Damaging"; Align-GVGD: "Class C15"). This variant has not been reported in the literature in individuals affected with MYH3-related conditions. This variant is not present in population databases (gnomAD no frequency). This sequence change replaces histidine, which is basic and polar, with glutamine, which is neutral and polar, at codon 1339 of the MYH3 protein (p.His1339Gln).